The following is an entry in ClinVar:

NM_005739.4(RASGRP1):c.1024C>T (p.Arg342Ter)

Gene: RASGRP1 (RAS guanyl releasing protein 1; minus strand). Cytogenetic location: 15q14.
Variant type: single nucleotide variant.
Coding change: c.1024C>T on transcript NM_005739.4 (MANE Select); coding-DNA position 1024, C replaced by T.
Protein change: p.Arg342Ter; replaces arginine 342 with a stop codon.
Molecular consequence: nonsense.
Genome position (GRCh38, 1-based): chr15:38,507,944, G>A on the plus strand (C>T on the coding strand, the complement: RASGRP1 is on the minus strand). VCF-style: chr15-38507944-G-A. GRCh37 (hg19) VCF-style: chr15-38800145-G-A.
Other names: c.1024C>T, p.Arg342Ter (NM_001128602.2, NM_001306086.2); short protein forms R342*.
Identifiers: ClinVar variation 2837377 (VCV002837377.3), dbSNP rs750292508, ClinGen allele CA7470974.

ClinVar aggregate classification (germline): Pathogenic (1 of 4 stars; one submission).

Allele frequency attached by ClinVar (database versions not stated): gnomAD exomes below 0.00001.
gnomAD v4.1: 2 of 1,611,220 alleles (0.00012%); highest among the groups gnomAD compares: Non-Finnish European, 0.00017%; no homozygotes.

Submission:

Labcorp Genetics (formerly Invitae), Labcorp
Classification: Pathogenic. Last evaluated: 2023-02-14. Review status: criteria provided, single submitter. Criteria: Invitae Variant Classification Sherloc (09022015). Collection method: clinical testing. Allele origin: germline.
Comment: This sequence change creates a premature translational stop signal (p.Arg342*) in the RASGRP1 gene. It is expected to result in an absent or disrupted protein product. Loss-of-function variants in RASGRP1 are known to be pathogenic (PMID: 11017103, 27776107, 28822832). The frequency data for this variant in the population databases is considered unreliable, as metrics indicate poor data quality at this position in the gnomAD database. This variant has not been reported in the literature in individuals affected with RASGRP1-related conditions. For these reasons, this variant has been classified as Pathogenic.

Literature cited by the submitters: PubMed 11017103; PubMed 27776107; PubMed 28822832.